The following is an entry in ClinVar:

ClinVar aggregate classification (germline): Uncertain significance (1 of 4 stars; one submission).

Submission:

Labcorp Genetics (formerly Invitae), Labcorp
Classification: Uncertain significance. Last evaluated: 2022-02-10. Review status: criteria provided, single submitter. Criteria: Invitae Variant Classification Sherloc (09022015). Collection method: clinical testing. Allele origin: germline.
Comment: In summary, the available evidence is currently insufficient to determine the role of this variant in disease. Therefore, it has been classified as a Variant of Uncertain Significance. Algorithms developed to predict the effect of missense changes on protein structure and function are either unavailable or do not agree on the potential impact of this missense change (SIFT: "Deleterious"; PolyPhen-2: "Benign"; Align-GVGD: "Class C65"). This variant has not been reported in the literature in individuals affected with IRF4-related conditions. This variant is not present in population databases (gnomAD no frequency). This sequence change replaces tyrosine, which is neutral and polar, with cysteine, which is neutral and slightly polar, at codon 282 of the IRF4 protein (p.Tyr282Cys).

NM_002460.4(IRF4):c.845A>G (p.Tyr282Cys)

Gene: IRF4 (interferon regulatory factor 4; plus strand). Cytogenetic location: 6p25.3.
Variant type: single nucleotide variant.
Coding change: c.845A>G on transcript NM_002460.4 (MANE Select); coding-DNA position 845, A replaced by G.
Protein change: p.Tyr282Cys; replaces tyrosine 282 with cysteine.
Molecular consequence: missense variant. On other transcripts: non-coding transcript variant (1).
Genome position (GRCh38, 1-based): chr6:401,523, A>G. VCF-style: chr6-401523-A-G. GRCh37 (hg19) VCF-style: chr6-401523-A-G.
Other names: c.842A>G, p.Tyr281Cys (NM_001195286.2); short protein forms Y281C, Y282C.
Identifiers: ClinVar variation 1523301 (VCV001523301.8), dbSNP rs2127439875, ClinGen allele CA362548845.